The following is an entry in ClinVar:

NM_014679.5(CEP57):c.109G>T (p.Val37Leu)

Gene: CEP57 (centrosomal protein 57; plus strand). Cytogenetic location: 11q21.
Variant type: single nucleotide variant.
Coding change: c.109G>T on transcript NM_014679.5 (MANE Select); coding-DNA position 109, G replaced by T.
Protein change: p.Val37Leu; replaces valine 37 with leucine.
Molecular consequence: missense variant.
Genome position (GRCh38, 1-based): chr11:95,799,295, G>T. VCF-style: chr11-95799295-G-T. GRCh37 (hg19) VCF-style: chr11-95532459-G-T.
Other names: c.109G>T, p.Val37Leu (NM_001440882.1, NM_001440872.1, NM_001440873.1 and 6 more transcripts); c.28G>T, p.Val10Leu (NM_001440875.1, NM_001440877.1, NM_001440878.1 and 4 more transcripts); c.82G>T, p.Val28Leu (NM_001243776.2); short protein forms V10L, V37L, V28L.
Identifiers: ClinVar variation 4842312 (VCV004842312.1).

ClinVar aggregate classification (germline): Uncertain significance (1 of 4 stars; one submission).

Conditions:
Inborn genetic diseases. Identifiers: MedGen C0950123, MeSH D030342.

Submission:

Ambry Genetics
Classification: Uncertain significance for Inborn genetic diseases. Last evaluated: 2025-12-21. Review status: criteria provided, single submitter. Criteria: Ambry Variant Classification Scheme 2023. Collection method: clinical testing. Allele origin: germline.
Comment: The p.V37L variant (also known as c.109G>T), located in coding exon 2 of the CEP57 gene, results from a G to T substitution at nucleotide position 109. The valine at codon 37 is replaced by leucine, an amino acid with highly similar properties. This amino acid position is conserved. In addition, this alteration is predicted to be tolerated by in silico analysis. Based on the available evidence, the clinical significance of this variant remains unclear.